The following is an entry in ClinVar:

NM_006019.4(TCIRG1):c.497G>C (p.Arg166Thr)

Gene: TCIRG1 (T cell immune regulator 1, ATPase H+ transporting V0 subunit a3; plus strand). Cytogenetic location: 11q13.2.
Variant type: single nucleotide variant.
Coding change: c.497G>C on transcript NM_006019.4 (MANE Select); coding-DNA position 497, G replaced by C.
Protein change: p.Arg166Thr; replaces arginine 166 with threonine.
Molecular consequence: missense variant. On other transcripts: 5 prime UTR variant (2), intron variant (6).
Genome position (GRCh38, 1-based): chr11:68,043,025, G>C. VCF-style: chr11-68043025-G-C. GRCh37 (hg19) VCF-style: chr11-67810492-G-C.
Other names: c.-753G>C (NM_001351059.2); c.497G>C, p.Arg166Thr (NM_001440552.1, NM_001440553.1, NM_001440554.1 and 5 more transcripts); c.455G>C, p.Arg152Thr (NM_001440555.1, NM_001440556.1, NM_001440563.1); c.197G>C, p.Arg66Thr (NM_001440565.1); c.-491G>C (NM_006053.4); c.417+162G>C (NM_001440561.1, NM_001440566.1, NM_001440562.1 and 1 more transcripts); c.375+162G>C (NM_001440564.1, NM_001440568.1); short protein forms R152T, R166T, R66T.
Identifiers: ClinVar variation 4695136 (VCV004695136.1).

ClinVar aggregate classification (germline): Uncertain significance (1 of 4 stars; one submission).

gnomAD v4.1: 12 of 1,550,716 alleles (0.00077%); highest among the groups gnomAD compares: African/African-American, 0.016%; no homozygotes.

Submission:

Labcorp Genetics (formerly Invitae), Labcorp
Classification: Uncertain significance. Last evaluated: 2025-10-04. Review status: criteria provided, single submitter. Criteria: Invitae Variant Classification Sherloc (09022015). Collection method: clinical testing. Allele origin: germline.
Comment: This sequence change replaces arginine, which is basic and polar, with threonine, which is neutral and polar, at codon 166 of the TCIRG1 protein (p.Arg166Thr). This variant is present in population databases (rs370395754, gnomAD 0.01%). This variant has not been reported in the literature in individuals affected with TCIRG1-related conditions. Invitae Evidence Modeling of protein sequence and biophysical properties (such as structural, functional, and spatial information, amino acid conservation, physicochemical variation, residue mobility, and thermodynamic stability) indicates that this missense variant is not expected to disrupt TCIRG1 protein function with a negative predictive value of 80%. In summary, the available evidence is currently insufficient to determine the role of this variant in disease. Therefore, it has been classified as a Variant of Uncertain Significance.